The following is an entry in ClinVar:

ClinVar aggregate classification (germline): Likely pathogenic (1 of 4 stars; one submission).

Allele frequency attached by ClinVar (database versions not stated): gnomAD exomes below 0.00001.
gnomAD v4.1: 4 of 1,606,564 alleles (0.00025%); highest among the groups gnomAD compares: Non-Finnish European, 0.00026%; no homozygotes.

Submission:

Labcorp Genetics (formerly Invitae), Labcorp
Classification: Likely pathogenic. Last evaluated: 2025-03-31. Review status: criteria provided, single submitter. Criteria: Invitae Variant Classification Sherloc (09022015). Collection method: clinical testing. Allele origin: germline.
Comment: This sequence change affects a donor splice site in intron 23 of the MCM3AP gene. It is expected to disrupt RNA splicing. Variants that disrupt the donor or acceptor splice site typically lead to a loss of protein function (PMID: 16199547), and loss-of-function variants in MCM3AP are known to be pathogenic (PMID: 28633435). This variant is not present in population databases (gnomAD no frequency). This variant has not been reported in the literature in individuals affected with MCM3AP-related conditions. ClinVar contains an entry for this variant (Variation ID: 1900484). Algorithms developed to predict the effect of sequence changes on RNA splicing suggest that this variant may disrupt the consensus splice site. In summary, the currently available evidence indicates that the variant is pathogenic, but additional data are needed to prove that conclusively. Therefore, this variant has been classified as Likely Pathogenic.

Literature cited by the submitters: PubMed 16199547; PubMed 28633435.

NM_003906.5(MCM3AP):c.5038+1G>C

Genes: MCM3AP-AS1 (MCM3AP antisense RNA 1; plus strand), MCM3AP (minichromosome maintenance complex component 3 associated protein; minus strand). Cytogenetic location: 21q22.3.
Variant type: single nucleotide variant.
Coding change: c.5038+1G>C on transcript NM_003906.5 (MANE Select); the canonical splice donor site of the intron after coding-DNA position 5038, G replaced by C.
Molecular consequence: splice donor variant.
Genome position (GRCh38, 1-based): chr21:46,244,806, C>G on the plus strand (G>C on the coding strand, the complement: MCM3AP is on the minus strand). VCF-style: chr21-46244806-C-G. GRCh37 (hg19) VCF-style: chr21-47664720-C-G.
Identifiers: ClinVar variation 1900484 (VCV001900484.5), dbSNP rs1407813574, ClinGen allele CA410542451.